The following is an entry in ClinVar:

ClinVar aggregate classification (germline): Uncertain significance. Review status: criteria provided, multiple submitters, no conflicts (2 of 4 stars). 3 submissions from 3 submitters: Uncertain significance (3). Last evaluated 2026-02-03.

Allele frequency attached by ClinVar (database versions not stated): gnomAD exomes below 0.00001; TOPMed below 0.00001.
gnomAD v4.1: 2 of 1,612,172 alleles (0.00012%); highest among the groups gnomAD compares: Middle Eastern, 0.019%; no homozygotes.

Submissions (3):

Labcorp Genetics (formerly Invitae), Labcorp
Classification: Uncertain significance. Last evaluated: 2026-02-03. Review status: criteria provided, single submitter. Criteria: Invitae Variant Classification Sherloc (09022015). Collection method: clinical testing. Allele origin: germline.
Comment: This sequence change replaces lysine, which is basic and polar, with arginine, which is basic and polar, at codon 204 of the GALNT12 protein (p.Lys204Arg). This variant is not present in population databases (gnomAD no frequency). This variant has not been reported in the literature in individuals affected with GALNT12-related conditions. ClinVar contains an entry for this variant (Variation ID: 1364382). Invitae Evidence Modeling of protein sequence and biophysical properties (such as structural, functional, and spatial information, amino acid conservation, physicochemical variation, residue mobility, and thermodynamic stability) indicates that this missense variant is not expected to disrupt GALNT12 protein function with a negative predictive value of 80%. In summary, the available evidence is currently insufficient to determine the role of this variant in disease. Therefore, it has been classified as a Variant of Uncertain Significance.

Quest Diagnostics Nichols Institute San Juan Capistrano
Classification: Uncertain significance. Last evaluated: 2025-03-18. Review status: criteria provided, single submitter. Criteria: Quest Diagnostics criteria. Collection method: clinical testing. Allele origin: unknown.
Comment: The GALNT12 c.611A>G (p.Lys204Arg) variant has not been reported in individuals with GALNT12-related conditions in the published literature. It also has not been reported in large, multi-ethnic general populations (Genome Aggregation Database). Analysis of this variant using bioinformatics tools for the prediction of the effect of amino acid changes on protein structure and function yielded predictions that this variant is benign. Based on the available information, we are unable to determine the clinical significance of this variant.

Ambry Genetics
Classification: Uncertain significance. Last evaluated: 2024-12-16. Review status: criteria provided, single submitter. Criteria: Ambry Variant Classification Scheme 2023. Collection method: clinical testing. Allele origin: germline.
Comment: The p.K204R variant (also known as c.611A>G), located in coding exon 3 of the GALNT12 gene, results from an A to G substitution at nucleotide position 611. The lysine at codon 204 is replaced by arginine, an amino acid with highly similar properties. This amino acid position is highly conserved in available vertebrate species. In addition, this alteration is predicted to be tolerated by in silico analysis. Since supporting evidence is limited at this time, the clinical significance of this alteration remains unclear.

NM_024642.5(GALNT12):c.611A>G (p.Lys204Arg)

Gene: GALNT12 (polypeptide N-acetylgalactosaminyltransferase 12; plus strand). Cytogenetic location: 9q22.33.
Variant type: single nucleotide variant.
Coding change: c.611A>G on transcript NM_024642.5 (MANE Select); coding-DNA position 611, A replaced by G.
Protein change: p.Lys204Arg; replaces lysine 204 with arginine.
Molecular consequence: missense variant.
Genome position (GRCh38, 1-based): chr9:98,826,821, A>G. VCF-style: chr9-98826821-A-G. GRCh37 (hg19) VCF-style: chr9-101589103-A-G.
Other names: short protein forms K204R.
Identifiers: ClinVar variation 1364382 (VCV001364382.10), dbSNP rs1835868057, ClinGen allele CA374217504.
Genomic context (GRCh38, chr9:98,826,821, plus strand): 5'-AGGAGCGCTTGGCCAATGAGCTTTCGGGACTGCCCAAGGTGCGCCTGATCCGCGCCAACA[A>G]GAGAGAGGGCCTGGTGCGAGCCCGGCTGCTGGGGGCGTCTGCGGCGAGGGGCGATGTTCT-3'
Protein context (NP_078918.3, residues 194-214): LPKVRLIRAN[Lys204Arg]REGLVRARLL